The following is an entry in ClinVar:

NM_000152.5(GAA):c.1794C>G (p.Ile598Met)

Gene: GAA (alpha glucosidase; plus strand). Cytogenetic location: 17q25.3.
Variant type: single nucleotide variant.
Coding change: c.1794C>G on transcript NM_000152.5 (MANE Select); coding-DNA position 1794, C replaced by G.
Protein change: p.Ile598Met; replaces isoleucine 598 with methionine.
Molecular consequence: missense variant.
Genome position (GRCh38, 1-based): chr17:80,112,617, C>G. VCF-style: chr17-80112617-C-G. GRCh37 (hg19) VCF-style: chr17-78086416-C-G.
Other names: c.1794C>G (NM_000152.3); c.1794C>G, p.Ile598Met (NM_001079803.3, NM_001079804.3); short protein forms I598M.
Identifiers: ClinVar variation 991140 (VCV000991140.5), dbSNP rs2039262568, ClinGen allele CA401369408.
Genomic context (GRCh38, chr17:80,112,617, plus strand): 5'-CGGTGTCCCCCACCACCCCAGGGCGCTGGTGAAGGCTCGGGGGACACGCCCATTTGTGAT[C>G]TCCCGCTCGACCTTTGCTGGCCACGGCCGATACGCCGGCCACTGGACGGGGGACGTGTGG-3'
Protein context (NP_000143.2, residues 588-608): VKARGTRPFV[Ile598Met]SRSTFAGHGR

ClinVar aggregate classification (germline): Uncertain significance. Review status: criteria provided, multiple submitters, no conflicts (2 of 4 stars). 3 submissions from 3 submitters: Uncertain significance (2). 1 of the submissions does not count toward it. Last evaluated 2022-09-27.

Conditions:
Glycogen storage disease, type II (IOPD). Also called: Glycogen storage disease type 2; Acid maltase deficiency disease; Aglucosidase alfa; Deficiency of alpha-glucosidase; Deficiency of lysosomal alpha-glucosidase; Pompe Disease. Identifiers: Orphanet 365, MedGen C0017921, MONDO:0009290, OMIM 232300.

Allele frequency attached by ClinVar (database versions not stated): gnomAD exomes below 0.00001.

Submissions (3):

Labcorp Genetics (formerly Invitae), Labcorp
Classification: Uncertain significance for Glycogen storage disease, type II. Last evaluated: 2022-09-27. Review status: criteria provided, single submitter. Criteria: Invitae Variant Classification Sherloc (09022015). Collection method: clinical testing. Allele origin: germline.
Comment: This sequence change replaces isoleucine, which is neutral and non-polar, with methionine, which is neutral and non-polar, at codon 598 of the GAA protein (p.Ile598Met). This variant is not present in population databases (gnomAD no frequency). This variant has not been reported in the literature in individuals affected with GAA-related conditions. ClinVar contains an entry for this variant (Variation ID: 991140). Advanced modeling of protein sequence and biophysical properties (such as structural, functional, and spatial information, amino acid conservation, physicochemical variation, residue mobility, and thermodynamic stability) performed at Invitae indicates that this missense variant is expected to disrupt GAA protein function. In summary, the available evidence is currently insufficient to determine the role of this variant in disease. Therefore, it has been classified as a Variant of Uncertain Significance.

Revvity Omics, Revvity
Classification: Uncertain significance. Last evaluated: 2019-06-21. Review status: criteria provided, single submitter. Criteria: ACMG Guidelines, 2015. Collection method: clinical testing. Allele origin: germline.

Natera, Inc.
Classification: Uncertain significance for Glycogen storage disease type II. Last evaluated: 2020-08-13. Review status: no assertion criteria provided. Collection method: clinical testing. Allele origin: germline. Not counted in ClinVar's aggregate classification.